The following is an entry in ClinVar:

ClinVar aggregate classification (germline): Uncertain significance. Review status: criteria provided, multiple submitters, no conflicts (2 of 4 stars). 2 submissions from 2 submitters: Uncertain significance (2). Last evaluated 2025-10-01.

Conditions:
Inborn genetic diseases. Identifiers: MedGen C0950123, MeSH D030342.

Allele frequency attached by ClinVar (database versions not stated): ExAC 0.00001; gnomAD exomes 0.00001.
gnomAD v4.1: 5 of 1,614,208 alleles (0.00031%); highest among the groups gnomAD compares: Admixed American, 0.005%; no homozygotes.

Submissions (2):

Ambry Genetics
Classification: Uncertain significance for Inborn genetic diseases. Last evaluated: 2025-10-01. Review status: criteria provided, single submitter. Criteria: Ambry Variant Classification Scheme 2023. Collection method: clinical testing. Allele origin: germline.

Labcorp Genetics (formerly Invitae), Labcorp
Classification: Uncertain significance. Last evaluated: 2023-06-19. Review status: criteria provided, single submitter. Criteria: Invitae Variant Classification Sherloc (09022015). Collection method: clinical testing. Allele origin: germline.
Comment: ClinVar contains an entry for this variant (Variation ID: 1429096). This sequence change replaces lysine, which is basic and polar, with arginine, which is basic and polar, at codon 61 of the NANS protein (p.Lys61Arg). This variant is present in population databases (rs765743972, gnomAD 0.006%). This variant has not been reported in the literature in individuals affected with NANS-related conditions. An algorithm developed to predict the effect of missense changes on protein structure and function (PolyPhen-2) suggests that this variant is likely to be disruptive. In summary, the available evidence is currently insufficient to determine the role of this variant in disease. Therefore, it has been classified as a Variant of Uncertain Significance.

NM_018946.4(NANS):c.182A>G (p.Lys61Arg)

Genes: NANS (N-acetylneuraminate synthase; plus strand), TRIM14 (tripartite motif containing 14; minus strand). Cytogenetic location: 9q22.33.
Variant type: single nucleotide variant.
Coding change: c.182A>G on transcript NM_018946.4 (MANE Select); coding-DNA position 182, A replaced by G.
Protein change: p.Lys61Arg; replaces lysine 61 with arginine.
Molecular consequence: missense variant.
Genome position (GRCh38, 1-based): chr9:98,060,831, A>G. VCF-style: chr9-98060831-A-G. GRCh37 (hg19) VCF-style: chr9-100823113-A-G.
Other names: c.182A>G (NM_018946.3); short protein forms K61R.
Identifiers: ClinVar variation 1429096 (VCV001429096.7), dbSNP rs765743972, ClinGen allele CA5150199.